The following is an entry in ClinVar:

NM_004415.4(DSP):c.8260G>C (p.Gly2754Arg)

Gene: DSP (desmoplakin; plus strand). Cytogenetic location: 6p24.3.
Variant type: single nucleotide variant.
Coding change: c.8260G>C on transcript NM_004415.4 (MANE Select); coding-DNA position 8260, G replaced by C.
Protein change: p.Gly2754Arg; replaces glycine 2754 with arginine.
Molecular consequence: missense variant.
Genome position (GRCh38, 1-based): chr6:7,585,522, G>C. VCF-style: chr6-7585522-G-C. GRCh37 (hg19) VCF-style: chr6-7585755-G-C.
Other names: c.6463G>C, p.Gly2155Arg (NM_001008844.3); c.6931G>C, p.Gly2311Arg (NM_001319034.2); short protein forms G2155R, G2311R, G2754R.
Identifiers: ClinVar variation 3386733 (VCV003386733.1).
Genomic context (GRCh38, chr6:7,585,522, plus strand): 5'-GGAGGTCTTGTTGACCCGGAAGTGCATGGGAGGATAAGCACCGAAGAAGCCATCCGGAAG[G>C]GGTTCATAGATGGCCGCGCCGCACAGAGGCTGCAAGACACCAGCAGCTATGCCAAAATCC-3'
Protein context (NP_004406.2, residues 2744-2764): RISTEEAIRK[Gly2754Arg]FIDGRAAQRL

ClinVar aggregate classification (germline): Uncertain significance (1 of 4 stars; one submission).

Conditions:
Arrhythmogenic cardiomyopathy with wooly hair and keratoderma. Also called: Carvajal syndrome; PALMOPLANTAR KERATODERMA WITH LEFT VENTRICULAR CARDIOMYOPATHY AND WOOLLY HAIR; Dilated cardiomyopathy with woolly hair and keratoderma; Arrhythmogenic cardiomyopathy with woolly hair and keratoderma. Identifiers: Orphanet 65282, MedGen C1854063, MONDO:0011581, OMIM 605676.

Submission:

All of Us Research Program, National Institutes of Health
Classification: Uncertain significance for Arrhythmogenic cardiomyopathy with wooly hair and keratoderma. Last evaluated: 2024-09-23. Review status: criteria provided, single submitter. Criteria: ACMG Guidelines, 2015. Collection method: clinical testing. Allele origin: germline. Inheritance: Autosomal dominant inheritance. Observed: 1 variant allele, 1 heterozygote.
Comment: This study involves interpretation of variants in research participants for the purpose of population health screening. Participant phenotype was not available at the time of variant classification. Additional details can be found in publication PMID: 35346344, PMCID: PMC8962531